The following is an entry in ClinVar:

ClinVar aggregate classification (germline): Benign/Likely benign. Review status: criteria provided, multiple submitters, no conflicts (2 of 4 stars). 3 submissions from 3 submitters: Benign (1); Likely benign (2). Last evaluated 2026-01-24.

Conditions:
Autoimmune lymphoproliferative syndrome type 2A (ALPS2A). Also called: CASP10-Related Autoimmune Lymphoproliferative Syndrome; AUTOIMMUNE LYMPHOPROLIFERATIVE SYNDROME, TYPE IIA; Autoimmune lymphoproliferative syndrome type 2. Identifiers: Orphanet 3261, MedGen C1858968, MONDO:0011383, OMIM 603909.

Allele frequency attached by ClinVar (database versions not stated): gnomAD 0.00001 and 0.00003; TOPMed 0.00002; gnomAD exomes 0.00008; ExAC 0.00013.
gnomAD v4.1: 107 of 1,576,648 alleles (0.0068%); highest among the groups gnomAD compares: East Asian, 0.095%; no homozygotes.

Submissions (3):

Labcorp Genetics (formerly Invitae), Labcorp
Classification: Likely benign for Autoimmune lymphoproliferative syndrome type 2A. Last evaluated: 2026-01-24. Review status: criteria provided, single submitter. Criteria: Invitae Variant Classification Sherloc (09022015). Collection method: clinical testing. Allele origin: germline.

Blueprint Genetics
Classification: Likely benign. Last evaluated: 2024-03-06. Review status: criteria provided, single submitter. Criteria: ACMG Guidelines, 2015. Collection method: clinical testing. Allele origin: germline.

Illumina Laboratory Services, Illumina
Classification: Benign for Autoimmune lymphoproliferative syndrome type 2A. Last evaluated: 2018-01-12. Review status: criteria provided, single submitter. Criteria: ICSL Variant Classification Criteria 13 December 2019. Collection method: clinical testing. Allele origin: germline.
Comment: This variant was observed in the ICSL laboratory as part of a predisposition screen in an ostensibly healthy population. It had not been previously curated by ICSL or reported in the Human Gene Mutation Database (HGMD: prior to June 1st, 2018), and was therefore a candidate for classification through an automated scoring system. Utilizing variant allele frequency, disease prevalence and penetrance estimates, and inheritance mode, an automated score was calculated to assess if this variant is too frequent to cause the disease. Based on the score and internal cut-off values, a variant classified as benign is not then subjected to further curation. The score for this variant resulted in a classification of benign for this disease.

NM_032977.4(CASP10):c.923-13T>G

Gene: CASP10 (caspase 10; plus strand). Cytogenetic location: 2q33.1.
Variant type: single nucleotide variant.
Coding change: c.923-13T>G on transcript NM_032977.4 (MANE Select); 13 bases into the intron before coding-DNA position 923, T replaced by G.
Molecular consequence: intron variant.
Genome position (GRCh38, 1-based): chr2:201,209,057, T>G. VCF-style: chr2-201209057-T-G. GRCh37 (hg19) VCF-style: chr2-202073780-T-G.
Other names: c.923-13T>G (NM_032974.5); c.794-13T>G (NM_001206542.2, NM_001230.5); c.*9-13T>G (NM_032976.4); c.722-13T>G (NM_001206524.2).
Identifiers: ClinVar variation 898478 (VCV000898478.12), dbSNP rs776612061, ClinGen allele CA2053131.